The following is an entry in ClinVar:

NM_001384140.1(PCDH15):c.1306-1G>T

Gene: PCDH15 (protocadherin related 15; minus strand). Cytogenetic location: 10q21.1.
Variant type: single nucleotide variant.
Coding change: c.1306-1G>T on transcript NM_001384140.1 (MANE Select); the canonical splice acceptor site of the intron before coding-DNA position 1306, G replaced by T.
Molecular consequence: splice acceptor variant.
Genome position (GRCh38, 1-based): chr10:54,185,269, C>A on the plus strand (G>T on the coding strand, the complement: PCDH15 is on the minus strand). VCF-style: chr10-54185269-C-A. GRCh37 (hg19) VCF-style: chr10-55945029-C-A.
Other names: c.1306-1G>T (NM_001354420.2, NM_001354429.2, NM_001142772.2 and 6 more transcripts); c.1321-1G>T (NM_001142771.2, NM_001142763.2); c.1327-1G>T (NM_001354411.2); c.1342-1G>T (NM_001142769.3); c.1240-1G>T (NM_001354404.2, NM_001142773.2, NM_001142768.2); c.1195-1G>T (NM_001142767.2).
Identifiers: ClinVar variation 1522139 (VCV001522139.7), dbSNP rs1299990309, ClinGen allele CA376515708.
Genomic context (GRCh38, chr10:54,185,269, plus strand): 5'-TGTGACGGTGAAGACTGAGGTGTAGTCATTCAGAAAAAGGTGAAGCTCTGGGTCTTTTGT[C>A]TTTGAAAAAAAATGACATCGTTTCAAACGTTGAATAAATAATGTAGCTATTAGTTCATTA-3'

ClinVar aggregate classification (germline): Likely pathogenic. Review status: criteria provided, multiple submitters, no conflicts (2 of 4 stars). 2 submissions from 2 submitters: Likely pathogenic (2). Last evaluated 2022-07-18.

Conditions:
Autosomal recessive nonsyndromic hearing loss 23. Identifiers: Orphanet 90636, MedGen C1836027, MONDO:0012293, OMIM 609533.

Allele frequency attached by ClinVar (database versions not stated): gnomAD exomes below 0.00001.
gnomAD v4.1: 1 of 1,612,890 alleles (0.000062%); highest among the groups gnomAD compares: Non-Finnish European, 0.000085%; no homozygotes.

Submissions (2):

Baylor Genetics
Classification: Likely pathogenic for Autosomal recessive nonsyndromic hearing loss 23. Last evaluated: 2022-07-18. Review status: criteria provided, single submitter. Criteria: ACMG Guidelines, 2015. Collection method: clinical testing. Allele origin: unknown.

Labcorp Genetics (formerly Invitae), Labcorp
Classification: Likely pathogenic. Last evaluated: 2021-11-18. Review status: criteria provided, single submitter. Criteria: Invitae Variant Classification Sherloc (09022015). Collection method: clinical testing. Allele origin: germline.
Comment: This variant is present in population databases (no rsID available, gnomAD 0.0009%). This sequence change affects an acceptor splice site in intron 11 of the PCDH15 gene. It is expected to disrupt RNA splicing. Variants that disrupt the donor or acceptor splice site typically lead to a loss of protein function (PMID: 16199547), and loss-of-function variants in PCDH15 are known to be pathogenic (PMID: 11398101, 11487575, 14570705). This variant has not been reported in the literature in individuals affected with PCDH15-related conditions. In summary, the currently available evidence indicates that the variant is pathogenic, but additional data are needed to prove that conclusively. Therefore, this variant has been classified as Likely Pathogenic. Algorithms developed to predict the effect of sequence changes on RNA splicing suggest that this variant may disrupt the consensus splice site.

Literature cited by the submitters: PubMed 16199547 (cited by Labcorp Genetics (formerly Invitae), Labcorp); PubMed 11398101 (cited by Labcorp Genetics (formerly Invitae), Labcorp); PubMed 11487575 (cited by Labcorp Genetics (formerly Invitae), Labcorp); PubMed 14570705 (cited by Labcorp Genetics (formerly Invitae), Labcorp).